The following is an entry in ClinVar:

NM_005591.4(MRE11):c.1960G>T (p.Asp654Tyr)

Gene: MRE11 (MRE11 double strand break repair nuclease; minus strand). Cytogenetic location: 11q21.
Variant type: single nucleotide variant.
Coding change: c.1960G>T on transcript NM_005591.4 (MANE Select); coding-DNA position 1960, G replaced by T.
Protein change: p.Asp654Tyr; replaces aspartic acid 654 with tyrosine.
Molecular consequence: missense variant.
Genome position (GRCh38, 1-based): chr11:94,435,866, C>A on the plus strand (G>T on the coding strand, the complement: MRE11 is on the minus strand). VCF-style: chr11-94435866-C-A. GRCh37 (hg19) VCF-style: chr11-94169032-C-A.
Other names: c.1957G>T, p.Asp653Tyr (NM_001330347.2); c.1876G>T, p.Asp626Tyr (NM_005590.4); short protein forms D626Y, D653Y, D654Y.
Identifiers: ClinVar variation 820422 (VCV000820422.10), dbSNP rs1264567817, ClinGen allele CA382374087.

ClinVar aggregate classification (germline): Uncertain significance. Review status: criteria provided, multiple submitters, no conflicts (2 of 4 stars). 2 submissions from 2 submitters: Uncertain significance (2). Last evaluated 2025-06-29.

Conditions:
Hereditary cancer-predisposing syndrome. Also called: Neoplastic Syndromes, Hereditary; Tumor predisposition; Hereditary Cancer Syndrome; Hereditary neoplastic syndrome. Identifiers: Orphanet 140162, MedGen C0027672, MeSH D009386, MONDO:0015356.
Ataxia-telangiectasia-like disorder (ATLD). Identifiers: MedGen C1858391, MONDO:0011457.

Allele frequency attached by ClinVar (database versions not stated): gnomAD exomes below 0.00001.

Submissions (2):

Ambry Genetics
Classification: Uncertain significance for Hereditary cancer-predisposing syndrome. Last evaluated: 2025-06-29. Review status: criteria provided, single submitter. Criteria: Ambry Variant Classification Scheme 2023. Collection method: clinical testing. Allele origin: germline.
Comment: The p.D654Y variant (also known as c.1960G>T), located in coding exon 17 of the MRE11A gene, results from a G to T substitution at nucleotide position 1960. The aspartic acid at codon 654 is replaced by tyrosine, an amino acid with highly dissimilar properties. This amino acid position is well conserved in available vertebrate species. In addition, this alteration is predicted to be tolerated by in silico analysis. Since supporting evidence is limited at this time, the clinical significance of this alteration remains unclear.

Labcorp Genetics (formerly Invitae), Labcorp
Classification: Uncertain significance for Ataxia-telangiectasia-like disorder. Last evaluated: 2022-05-25. Review status: criteria provided, single submitter. Criteria: Invitae Variant Classification Sherloc (09022015). Collection method: clinical testing. Allele origin: germline.
Comment: This sequence change replaces aspartic acid, which is acidic and polar, with tyrosine, which is neutral and polar, at codon 654 of the MRE11 protein (p.Asp654Tyr). In summary, the available evidence is currently insufficient to determine the role of this variant in disease. Therefore, it has been classified as a Variant of Uncertain Significance. Algorithms developed to predict the effect of missense changes on protein structure and function (SIFT, PolyPhen-2, Align-GVGD) all suggest that this variant is likely to be tolerated. ClinVar contains an entry for this variant (Variation ID: 820422). This variant has not been reported in the literature in individuals affected with MRE11-related conditions. This variant is present in population databases (no rsID available, gnomAD 0.0009%).